The following is an entry in ClinVar:

NM_001020658.2(PUM1):c.1473G>C (p.Gln491His)

Gene: PUM1 (pumilio RNA binding family member 1; minus strand). Cytogenetic location: 1p35.2.
Variant type: single nucleotide variant.
Coding change: c.1473G>C on transcript NM_001020658.2 (MANE Select); coding-DNA position 1473, G replaced by C.
Protein change: p.Gln491His; replaces glutamine 491 with histidine.
Molecular consequence: missense variant.
Genome position (GRCh38, 1-based): chr1:30,974,684, C>G on the plus strand (G>C on the coding strand, the complement: PUM1 is on the minus strand). VCF-style: chr1-30974684-C-G. GRCh37 (hg19) VCF-style: chr1-31447531-C-G.
Other names: c.1473G>C, p.Gln491His (NM_014676.3); short protein forms Q491H.
Identifiers: ClinVar variation 3381703 (VCV003381703.1).

ClinVar aggregate classification (germline): Uncertain significance (1 of 4 stars; one submission).

gnomAD v4.1: 5 of 1,609,920 alleles (0.00031%); highest among the groups gnomAD compares: South Asian, 0.0011%; no homozygotes.

Submission:

GeneDx
Classification: Uncertain significance. Last evaluated: 2024-05-20. Review status: criteria provided, single submitter. Criteria: GeneDx Variant Classification Process June 2021. Collection method: clinical testing. Allele origin: germline. Affected: yes.
Comment: Has not been previously published as pathogenic or benign to our knowledge; Not observed at significant frequency in large population cohorts (gnomAD); In silico analysis indicates that this missense variant does not alter protein structure/function